The following is an entry in ClinVar:

ClinVar aggregate classification (germline): Uncertain significance (1 of 4 stars; one submission).

Submission:

GeneDx
Classification: Uncertain significance. Last evaluated: 2024-01-11. Review status: criteria provided, single submitter. Criteria: GeneDx Variant Classification Process June 2021. Collection method: clinical testing. Allele origin: germline. Affected: yes.
Comment: Not observed at significant frequency in large population cohorts (gnomAD); In silico analysis supports that this missense variant has a deleterious effect on protein structure/function; Has not been previously published as pathogenic or benign to our knowledge

NM_001393769.1(MED12L):c.5290C>G (p.Pro1764Ala)

Gene: MED12L (mediator complex subunit 12L; plus strand). Cytogenetic location: 3q25.1.
Variant type: single nucleotide variant.
Coding change: c.5290C>G on transcript NM_001393769.1 (MANE Select); coding-DNA position 5290, C replaced by G.
Protein change: p.Pro1764Ala; replaces proline 1764 with alanine.
Molecular consequence: missense variant.
Genome position (GRCh38, 1-based): chr3:151,388,011, C>G. VCF-style: chr3-151388011-C-G. GRCh37 (hg19) VCF-style: chr3-151105799-C-G.
Other names: c.5185C>G, p.Pro1729Ala (NM_053002.6); short protein forms P1729A, P1764A.
Identifiers: ClinVar variation 3367849 (VCV003367849.1).